The following is an entry in ClinVar:

ClinVar aggregate classification (germline): Likely pathogenic (1 of 4 stars; one submission).

Conditions:
Cystic fibrosis (CF). Also called: MUCOVISCIDOSIS. Identifiers: Orphanet 586, MedGen C0010674, MONDO:0009061, OMIM 219700. Disease mechanism: loss of function.

Submission:

Women's Health and Genetics/Laboratory Corporation of America, LabCorp
Classification: Likely pathogenic for Cystic fibrosis. Last evaluated: 2024-01-02. Review status: criteria provided, single submitter. Criteria: LabCorp Variant Classification Summary - May 2015. Collection method: clinical testing. Allele origin: germline.
Comment: Variant summary: CFTR c.[2816A>G;2846A>T] (p.[His939Arg;His949Leu]) variant is a complex allele and involves the alteration of multiple nucleotides resulting in two non-conservative amino acid changes located in the ABC transporter type 1, transmembrane domain (IPR011527) of the encoded protein sequence. Five of five in-silico tools predict a damaging effect for each of the individual variants on protein function. The complex allele c.[2816A>G;2846A>T] (p.[His939Arg;His949Leu]) was absent in 282786 control chromosomes (gnomAD). c.[2816A>G;2846A>T] has been reported in the literature in at least one study of Caucasian CF subjects from Southern Italy describing four compound heterozygous individuals affected with Cystic Fibrosis and one compound heterozygous individual with CFTR-related disorder (Polizzi_2011). It has been subsequently cited by others (e.g., Diana_2016, Paganin_2015). These data indicate that the variant is likely to be associated with disease. To our knowledge, no experimental evidence demonstrating an impact of this complex allele on CFTR protein function has been reported. The following publications have been ascertained in the context of this evaluation (PMID: 21931512, 26911355, 25898134). No clinical diagnostic laboratories have submitted clinical-significance assessments for this variant to ClinVar after 2014. Based on the evidence outlined above, the complex allele variant c.[2816A>G;2846A>T] (p.[His939Arg;His949Leu]) was classified as likely pathogenic.

Literature cited by the submitters: PubMed 21931512; PubMed 26911355; PubMed 25898134.

NM_000492.3(CFTR):c.[2816A>G;2846A>T]

Variant type: Haplotype.
Identifiers: ClinVar variation 996223 (VCV000996223.2).